The following is an entry in ClinVar:

ClinVar aggregate classification (germline): Pathogenic. Review status: no assertion criteria provided (0 of 4 stars). 2 submissions from 2 submitters: Pathogenic (2). Last evaluated 2020-11-11.

Conditions:
T-lymphocyte deficiency. Also called: Immune defect due to absence of thymus; Thymic aplasia; Nezelof syndrome. Identifiers: Orphanet 83471, MedGen C0152094, MONDO:0009451, OMIM 242700.
T-cell immunodeficiency, congenital alopecia, and nail dystrophy. Also called: Congenital alopecia and nail dystrophy associated with severe functional T-cell immunodeficiency; Pignata Guarino syndrome. Identifiers: Orphanet 169095, MedGen C1866426, MONDO:0011132, OMIM 601705.

Submissions (2):

OMIM
Classification: Pathogenic for T-CELL IMMUNODEFICIENCY WITH THYMIC APLASIA (1 patient). Last evaluated: 2020-11-11. Review status: no assertion criteria provided. Collection method: literature only. Allele origin: germline.

van Oers lab, UT Southwestern Medical Center
Classification: Pathogenic for T-cell immunodeficiency, congenital alopecia, and nail dystrophy. Last evaluated: 2020-03-06. Review status: no assertion criteria provided. Collection method: clinical testing, in vivo. Allele origin: paternal. Affected: yes.
Comment: Pt. T-B+NK+ with normal hair and nails. Developed viral infections

Literature cited by the submitters: PubMed 31566583 (cited by OMIM); PMC 6819092 (cited by van Oers lab, UT Southwestern Medical Center).

NM_001369369.1(FOXN1):c.1089_1103del (p.Trp363_Pro368delinsCys)

Gene: FOXN1 (forkhead box N1; plus strand). Cytogenetic location: 17q11.2.
Variant type: Deletion.
Coding change: c.1089_1103del on transcript NM_001369369.1 (MANE Select); coding-DNA positions 1089 to 1103, 15 bases deleted (GAAGAGGAAAGATCC).
Protein change: p.Trp363_Pro368delinsCys.
Molecular consequence: inframe indel.
Genome position (GRCh38, 1-based): chr17:28,534,492-28,534,506, GAAGAGGAAAGATCC deleted. VCF-style (leftmost placement, unchanged base first): chr17-28534491-GGAAGAGGAAAGATCC-G. GRCh37 (hg19) VCF-style: chr17-26861509-GGAAGAGGAAAGATCC-G.
Other names: c.1089_1103del15 (NM_003593.2); c.1089_1103del, p.Trp363_Pro368delinsCys (NM_003593.3).
Identifiers: ClinVar variation 827575 (VCV000827575.4), dbSNP rs1597566726, ClinGen allele CA915949639.